The following is an entry in ClinVar:

NM_002691.4(POLD1):c.2236_2240dup (p.Ser748fs)

Gene: POLD1 (DNA polymerase delta 1, catalytic subunit; plus strand). Cytogenetic location: 19q13.33.
Variant type: Duplication.
Coding change: c.2236_2240dup on transcript NM_002691.4 (MANE Select); coding-DNA positions 2236 to 2240, 5 bases duplicated (AGCAC; older notation c.2236_2240dupAGCAC).
Protein change: p.Ser748fs; shifts the reading frame from serine 748.
Molecular consequence: frameshift variant. On other transcripts: non-coding transcript variant (1).
Genome position (GRCh38, 1-based): chr19:50,413,507-50,413,511, AGCAC duplicated; duplicating any 5 consecutive bases within chr19:50,413,505-50,413,511 gives the same sequence; the c. name uses the placement nearest the transcript's 3' end. VCF-style (leftmost placement, unchanged base first): chr19-50413504-T-TACAGC. GRCh37 (hg19) VCF-style: chr19-50916761-T-TACAGC.
Other names: c.2314_2318dup, p.Ser774fs (NM_001308632.1); c.2236_2240dup, p.Ser748fs (NM_001256849.1); short protein forms S774fs, S748fs.
Identifiers: ClinVar variation 1403861 (VCV001403861.11), dbSNP rs2122439251, ClinGen allele CA2573156718.

ClinVar aggregate classification (germline): Uncertain significance. Review status: criteria provided, multiple submitters, no conflicts (2 of 4 stars). 2 submissions from 2 submitters: Uncertain significance (2). Last evaluated 2025-05-28.

Conditions:
Hereditary cancer-predisposing syndrome. Also called: Tumor predisposition; Hereditary Cancer Syndrome; Hereditary neoplastic syndrome; Neoplastic Syndromes, Hereditary. Identifiers: Orphanet 140162, MedGen C0027672, MeSH D009386, MONDO:0015356.
POLD1-related polyposis and colorectal cancer syndrome (CRCS10). Also called: Colorectal cancer, susceptibility to, 10; Colorectal cancer 10; COLORECTAL CANCER, SUSCEPTIBILITY TO, ON CHROMOSOME 19q. Identifiers: Orphanet 220460, MedGen C2675481, MONDO:0012953, OMIM 612591.

Submissions (2):

Ambry Genetics
Classification: Uncertain significance for Hereditary cancer-predisposing syndrome. Last evaluated: 2025-05-28. Review status: criteria provided, single submitter. Criteria: Ambry Variant Classification Scheme 2023. Collection method: clinical testing. Allele origin: germline.
Comment: The c.2236_2240dupAGCAC variant, located in coding exon 17 of the POLD1 gene, results from a duplication of AGCAC at nucleotide position 2236, causing a translational frameshift with a predicted alternate stop codon (p.S748Afs*142). This alteration is expected to result in loss of function by premature protein truncation or nonsense-mediated mRNA decay. However, loss of function of POLD1 has not been established as a mechanism of disease. Based on the available evidence, the clinical significance of this variant remains unclear.

Labcorp Genetics (formerly Invitae), Labcorp
Classification: Uncertain significance for POLD1-related polyposis and colorectal cancer syndrome. Last evaluated: 2024-07-25. Review status: criteria provided, single submitter. Criteria: Invitae Variant Classification Sherloc (09022015). Collection method: clinical testing. Allele origin: germline.
Comment: This sequence change creates a premature translational stop signal (p.Ser748Alafs*142) in the POLD1 gene. Missense variants that disrupt the 3'-5' exonuclease (proof-reading) activity of the POLD1 protein are associated with PPAP (polymerase proofreading–associated polyposis) (PMID: 23263490, 23447401). However, loss-of-function variants that result in an absent or severely disrupted POLD1 protein, and missense variants outside the exonuclease domain, are unlikely to be associated with PPAP. This variant is not present in population databases (gnomAD no frequency). This variant has not been reported in the literature in individuals affected with POLD1-related conditions. ClinVar contains an entry for this variant (Variation ID: 1403861). In summary, the available evidence is currently insufficient to determine the role of this variant in disease. Therefore, it has been classified as a Variant of Uncertain Significance.

Literature cited by the submitters: PubMed 23263490 (cited by Labcorp Genetics (formerly Invitae), Labcorp); PubMed 23447401 (cited by Labcorp Genetics (formerly Invitae), Labcorp).